The following is an entry in ClinVar:

ClinVar aggregate classification (germline): Uncertain significance. Review status: criteria provided, multiple submitters, no conflicts (2 of 4 stars). 2 submissions from 2 submitters: Uncertain significance (2). Last evaluated 2019-08-27.

Conditions:
Retinitis pigmentosa (RP). Identifiers: Orphanet 791, MedGen C0035334, MeSH D012174, MONDO:0019200, OMIM 268000. Inheritance: Autosomal dominant, autosomal recessive and X linked inheritance.

Allele frequency attached by ClinVar (database versions not stated): ExAC 0.00001; gnomAD 0.00001; TOPMed 0.00001.

Submissions (2):

Labcorp Genetics (formerly Invitae), Labcorp
Classification: Uncertain significance. Last evaluated: 2019-08-27. Review status: criteria provided, single submitter. Criteria: Invitae Variant Classification Sherloc (09022015). Collection method: clinical testing. Allele origin: germline.
Comment: This variant has not been reported in the literature in individuals with PRPF8-related conditions. In summary, the available evidence is currently insufficient to determine the role of this variant in disease. Therefore, it has been classified as a Variant of Uncertain Significance. Algorithms developed to predict the effect of missense changes on protein structure and function (SIFT, PolyPhen-2, Align-GVGD) all suggest that this variant is likely to be tolerated, but these predictions have not been confirmed by published functional studies and their clinical significance is uncertain. This variant is present in population databases (rs776540872, ExAC 0.001%). This sequence change replaces threonine with lysine at codon 1102 of the PRPF8 protein (p.Thr1102Lys). The threonine residue is moderately conserved and there is a moderate physicochemical difference between threonine and lysine.

Illumina Laboratory Services, Illumina
Classification: Uncertain significance for Retinitis pigmentosa. Last evaluated: 2018-01-13. Review status: criteria provided, single submitter. Criteria: ICSL Variant Classification Criteria 13 December 2019. Collection method: clinical testing. Allele origin: germline.

NM_006445.4(PRPF8):c.3305C>A (p.Thr1102Lys)

Gene: PRPF8 (pre-mRNA processing factor 8; minus strand). Cytogenetic location: 17p13.3.
Variant type: single nucleotide variant.
Coding change: c.3305C>A on transcript NM_006445.4 (MANE Select); coding-DNA position 3305, C replaced by A.
Protein change: p.Thr1102Lys; replaces threonine 1102 with lysine.
Molecular consequence: missense variant.
Genome position (GRCh38, 1-based): chr17:1,673,887, G>T on the plus strand (C>A on the coding strand, the complement: PRPF8 is on the minus strand). VCF-style: chr17-1673887-G-T. GRCh37 (hg19) VCF-style: chr17-1577181-G-T.
Other names: short protein forms T1102K.
Identifiers: ClinVar variation 889761 (VCV000889761.10), dbSNP rs776540872, ClinGen allele CA8271908.